The following is an entry in ClinVar:

ClinVar aggregate classification (germline): Uncertain significance (1 of 4 stars; one submission).

Conditions:
Hereditary cancer-predisposing syndrome. Also called: Neoplastic Syndromes, Hereditary; Tumor predisposition; Hereditary Cancer Syndrome; Hereditary neoplastic syndrome. Identifiers: Orphanet 140162, MedGen C0027672, MeSH D009386, MONDO:0015356.

Submission:

Ambry Genetics
Classification: Uncertain significance for Hereditary cancer-predisposing syndrome. Last evaluated: 2025-01-23. Review status: criteria provided, single submitter. Criteria: Ambry Variant Classification Scheme 2023. Collection method: clinical testing. Allele origin: germline.
Comment: The c.-1115-328_-711del733 gross deletion spans the non-coding region of exon 1 in the STK11 gene as well as the region upstream and results from the deletion of 733 nucleotides between positions c.-1115-328 and c.-711. Based on promoter deletion analysis, this gross deletion will impact the minimal STK11 promoter region; however, the exact functional effect of this variant is unknown (Yao M et al. Progress in Natural Science, 2008 Mar;18:273-280). Based on the available evidence, the clinical significance of this variant remains unclear.

NM_000455.4(STK11):c.-1115-328_-711del733

Genes: STK11 (serine/threonine kinase 11; plus strand), LOC112543439 (Sharpr-MPRA regulatory region 734; plus strand), LOC130062894 (ATAC-STARR-seq lymphoblastoid silent region 9669; plus strand), LOC130062895 (ATAC-STARR-seq lymphoblastoid silent region 9670; plus strand). Cytogenetic location: 19p13.3.
Variant type: Deletion.
Coding change: c.-1115-328_-711del733 on transcript NM_000455.4; 328 bases into the intron before 1115 bases upstream of the start codon through 711 bases upstream of the start codon, 733 bases deleted.
Genome position (GRCh38, 1-based): chr19:1,205,471-1,206,203, 733 bases deleted. GRCh37 (hg19): chr19:1,205,470-1,206,202.
Identifiers: ClinVar variation 3802394 (VCV003802394.1).